The following is an entry in ClinVar:

ClinVar aggregate classification (germline): Uncertain significance (1 of 4 stars; one submission).

Conditions:
Fanconi anemia (FA). Also called: Fanconi's anemia. Identifiers: Orphanet 84, MedGen C0015625, MeSH D005199, MONDO:0019391.

Submission:

Labcorp Genetics (formerly Invitae), Labcorp
Classification: Uncertain significance for Fanconi anemia. Last evaluated: 2024-12-18. Review status: criteria provided, single submitter. Criteria: Invitae Variant Classification Sherloc (09022015). Collection method: clinical testing. Allele origin: germline.
Comment: This sequence change falls in intron 9 of the FANCM gene. It does not directly change the encoded amino acid sequence of the FANCM protein. This variant is not present in population databases (gnomAD no frequency). This variant has not been reported in the literature in individuals affected with FANCM-related conditions. Algorithms developed to predict the effect of sequence changes on RNA splicing suggest that this variant may disrupt the consensus splice site. In summary, the available evidence is currently insufficient to determine the role of this variant in disease. Therefore, it has been classified as a Variant of Uncertain Significance.

NM_020937.4(FANCM):c.1582-5T>G

Gene: FANCM (FA complementation group M; plus strand). Cytogenetic location: 14q21.2.
Variant type: single nucleotide variant.
Coding change: c.1582-5T>G on transcript NM_020937.4 (MANE Select); 5 bases into the intron before coding-DNA position 1582, T replaced by G.
Molecular consequence: intron variant.
Genome position (GRCh38, 1-based): chr14:45,164,354, T>G. VCF-style: chr14-45164354-T-G. GRCh37 (hg19) VCF-style: chr14-45633557-T-G.
Other names: c.1504-5T>G (NM_001308133.2); c.1582-5T>G (NM_001308134.2).
Identifiers: ClinVar variation 3640421 (VCV003640421.2).